The following is an entry in ClinVar:

NM_001042492.3(NF1):c.1783_1784del (p.Glu595fs)

Gene: NF1 (neurofibromin 1; plus strand). Cytogenetic location: 17q11.2.
Variant type: Deletion.
Coding change: c.1783_1784del on transcript NM_001042492.3 (MANE Select); coding-DNA positions 1783 to 1784, 2 bases deleted (GA; older notation c.1783_1784delGA).
Protein change: p.Glu595fs; shifts the reading frame from glutamic acid 595.
Molecular consequence: frameshift variant.
Genome position (GRCh38, 1-based): chr17:31,223,505-31,223,506, GA deleted; deleting any 2 consecutive bases within chr17:31,223,504-31,223,506 gives the same sequence; the c. name uses the placement nearest the transcript's 3' end. VCF-style (leftmost placement, unchanged base first): chr17-31223503-CAG-C. GRCh37 (hg19) VCF-style: chr17-29550521-CAG-C.
Other names: c.1782_1783delAG (NM_000267.3); c.1783_1784delGA, p.Glu595Asnfs (NM_000267.4); short protein forms E595fs.
Identifiers: ClinVar variation 188086 (VCV000188086.16), dbSNP rs786204059, ClinGen allele CA334004.

ClinVar aggregate classification (germline): Pathogenic. Review status: criteria provided, multiple submitters, no conflicts (2 of 4 stars). 5 submissions from 5 submitters: Pathogenic (5). Last evaluated 2025-02-25.

Conditions:
NF1-related disorder. Also called: NF1-related condition. Identifiers: MedGen CN379171.
Neurofibromatosis, type 1 (NF1). Also called: NEUROFIBROMATOSIS, TYPE I, SOMATIC; Peripheral type neurofibromatosis; VON RECKLINGHAUSEN DISEASE; Neurofibromatosis, type I. Identifiers: Orphanet 636, MedGen C0027831, MONDO:0018975, OMIM 162200. Disease mechanism: loss of function.

Submissions (5):

Labcorp Genetics (formerly Invitae), Labcorp
Classification: Pathogenic for Neurofibromatosis, type 1. Last evaluated: 2025-02-25. Review status: criteria provided, single submitter. Criteria: Invitae Variant Classification Sherloc (09022015). Collection method: clinical testing. Allele origin: germline.
Comment: This sequence change creates a premature translational stop signal (p.Glu595Asnfs*14) in the NF1 gene. It is expected to result in an absent or disrupted protein product. Loss-of-function variants in NF1 are known to be pathogenic (PMID: 10712197, 23913538). This variant is not present in population databases (gnomAD no frequency). This premature translational stop signal has been observed in individual(s) with neurofibromatosis 1 (PMID: 23913538). ClinVar contains an entry for this variant (Variation ID: 188086). RNA analysis performed to evaluate the impact of this premature translational stop signal on mRNA splicing indicates it does not significantly alter splicing (internal data). For these reasons, this variant has been classified as Pathogenic.

GeneDx
Classification: Pathogenic. Last evaluated: 2024-01-22. Review status: criteria provided, single submitter. Criteria: GeneDx Variant Classification Process June 2021. Collection method: clinical testing. Allele origin: germline. Affected: yes.
Comment: Frameshift variant predicted to result in protein truncation or nonsense mediated decay in a gene for which loss-of-function is a known mechanism of disease; Not observed in large population cohorts (gnomAD); This variant is associated with the following publications: (PMID: 30192422, 23913538, 25074460)

Genome-Nilou Lab
Classification: Pathogenic for Neurofibromatosis, type 1. Last evaluated: 2022-03-15. Review status: criteria provided, single submitter. Criteria: ACMG Guidelines, 2015. Collection method: clinical testing. Allele origin: germline. Affected: no.

Blueprint Genetics
Classification: Pathogenic for NF1-related disorders. Last evaluated: 2021-12-10. Review status: criteria provided, single submitter. Criteria: ACMG Guidelines, 2015. Collection method: clinical testing. Allele origin: germline. Affected: yes. Observed: 1 variant allele.

ARUP Laboratories, Molecular Genetics and Genomics, ARUP Laboratories
Classification: Pathogenic. Last evaluated: 2019-01-18. Review status: criteria provided, single submitter. Criteria: ARUP Molecular Germline Variant Investigation Process. Collection method: clinical testing. Allele origin: germline.
Comment: The NF1 c.1783_1784delGA; p.Glu595fs variant (rs786204059) is reported in the literature in individuals affected with neurofibromatosis type I (Pasmant 2015, Sabbagh 2013). This variant is reported in ClinVar (Variation ID: 188086), and is absent from general population databases (Exome Variant Server, Genome Aggregation Database), indicating it is not a common polymorphism. This variant causes a frameshift by deleting two nucleotides, so it is predicted to result in a truncated protein or mRNA subject to nonsense-mediated decay. Based on available information, this variant is considered to be pathogenic. References: Pasmant E et al. Neurofibromatosis type 1 molecular diagnosis: what can NGS do for you when you have a large gene with loss of function mutations? Eur J Hum Genet. 2015 May;23(5):596-601. Sabbagh A et al. NF1 molecular characterization and neurofibromatosis type I genotype-phenotype correlation: the French experience. Hum Mutat. 2013 Nov;34(11):1510-8.

Literature cited by the submitters: PubMed 10712197 (cited by Labcorp Genetics (formerly Invitae), Labcorp); PubMed 23913538 (cited by Labcorp Genetics (formerly Invitae), Labcorp).